The following is an entry in ClinVar:

ClinVar aggregate classification (germline): Uncertain significance. Review status: criteria provided, multiple submitters, no conflicts (2 of 4 stars). 2 submissions from 2 submitters: Uncertain significance (2). Last evaluated 2024-11-12.

Conditions:
Inborn genetic diseases. Identifiers: MedGen C0950123, MeSH D030342.
Congenital myasthenic syndrome 8. Also called: MYASTHENIC SYNDROME, CONGENITAL, DUE TO AGRIN DEFICIENCY; Myasthenic syndrome, congenital, 8, with pre- and postsynaptic defects. Identifiers: Orphanet 590, MedGen C3808739, MONDO:0014052, OMIM 615120.

Allele frequency attached by ClinVar (database versions not stated): gnomAD 0.00002 and 0.00004; gnomAD exomes 0.00003 and 0.00004; TOPMed 0.00003; ExAC 0.00006; ESP Exome Variant Server 0.00008; 1000 Genomes Project 30x 0.00016; 1000 Genomes Project 0.00020.
gnomAD v4.1: 49 of 1,600,992 alleles (0.0031%); highest among the groups gnomAD compares: South Asian, 0.0079%; 1 homozygote.

Submissions (2):

Ambry Genetics
Classification: Uncertain significance for Inborn genetic diseases. Last evaluated: 2024-11-12. Review status: criteria provided, single submitter. Criteria: Ambry Variant Classification Scheme 2023. Collection method: clinical testing. Allele origin: germline.

Labcorp Genetics (formerly Invitae), Labcorp
Classification: Uncertain significance for Congenital myasthenic syndrome 8. Last evaluated: 2022-07-12. Review status: criteria provided, single submitter. Criteria: Invitae Variant Classification Sherloc (09022015). Collection method: clinical testing. Allele origin: germline.
Comment: This sequence change replaces glutamic acid, which is acidic and polar, with lysine, which is basic and polar, at codon 1885 of the AGRN protein (p.Glu1885Lys). This variant is present in population databases (rs374127077, gnomAD 0.007%). This variant has not been reported in the literature in individuals affected with AGRN-related conditions. ClinVar contains an entry for this variant (Variation ID: 578646). Algorithms developed to predict the effect of missense changes on protein structure and function are either unavailable or do not agree on the potential impact of this missense change (SIFT: "Deleterious"; PolyPhen-2: "Probably Damaging"; Align-GVGD: "Class C0"). Algorithms developed to predict the effect of sequence changes on RNA splicing suggest that this variant may create or strengthen a splice site. In summary, the available evidence is currently insufficient to determine the role of this variant in disease. Therefore, it has been classified as a Variant of Uncertain Significance.

NM_198576.4(AGRN):c.5653G>A (p.Glu1885Lys)

Gene: AGRN (agrin; plus strand). Cytogenetic location: 1p36.33.
Variant type: single nucleotide variant.
Coding change: c.5653G>A on transcript NM_198576.4 (MANE Select); coding-DNA position 5653, G replaced by A.
Protein change: p.Glu1885Lys; replaces glutamic acid 1885 with lysine.
Molecular consequence: missense variant.
Genome position (GRCh38, 1-based): chr1:1,053,754, G>A. VCF-style: chr1-1053754-G-A. GRCh37 (hg19) VCF-style: chr1-989134-G-A.
Other names: c.5722G>A, p.Glu1908Lys (NM_001305275.2); c.5350G>A, p.Glu1784Lys (NM_001364727.2); short protein forms E1885K, E1784K, E1908K.
Identifiers: ClinVar variation 578646 (VCV000578646.7), dbSNP rs374127077, ClinGen allele CA510197.